The following is an entry in ClinVar:

NM_004360.5(CDH1):c.-8G>A

Gene: CDH1 (cadherin 1; plus strand). Cytogenetic location: 16q22.1.
Variant type: single nucleotide variant.
Coding change: c.-8G>A on transcript NM_004360.5 (MANE Select); 8 bases upstream of the start codon, G replaced by A.
Molecular consequence: 5 prime UTR variant.
Genome position (GRCh38, 1-based): chr16:68,737,408, G>A. VCF-style: chr16-68737408-G-A. GRCh37 (hg19) VCF-style: chr16-68771311-G-A.
Other names: c.-8G>A (LRG_301t1, NM_001317184.2); c.-1623G>A (NM_001317185.2); c.-1827G>A (NM_001317186.2).
Identifiers: ClinVar variation 633149 (VCV000633149.8), dbSNP rs879449703, ClinGen allele CA283273368.

ClinVar aggregate classification (germline): Uncertain significance. Review status: criteria provided, multiple submitters, no conflicts (2 of 4 stars). 3 submissions from 3 submitters: Uncertain significance (3). Last evaluated 2025-03-04.

Conditions:
Hereditary cancer-predisposing syndrome. Also called: Tumor predisposition; Neoplastic Syndromes, Hereditary; Hereditary neoplastic syndrome; Hereditary Cancer Syndrome. Identifiers: Orphanet 140162, MedGen C0027672, MeSH D009386, MONDO:0015356.

Allele frequency attached by ClinVar (database versions not stated): gnomAD exomes 0.00001.

Submissions (3):

Center for Genomic Medicine, Rigshospitalet, Copenhagen University Hospital
Classification: Uncertain significance. Last evaluated: 2025-03-04. Review status: criteria provided, single submitter. Criteria: ACMG Guidelines, 2015. Collection method: clinical testing. Allele origin: germline.

Color Diagnostics, LLC DBA Color Health
Classification: Uncertain significance for Hereditary cancer-predisposing syndrome. Last evaluated: 2021-11-12. Review status: criteria provided, single submitter. Criteria: ACMG Guidelines, 2015. Collection method: clinical testing. Allele origin: germline.
Comment: This variant is located in the 5' untranslated region of the CDH1 gene. Splice site prediction tools suggest that this variant may not impact RNA splicing. To our knowledge, functional studies have not been performed for this variant. This variant has not been reported in individuals affected with hereditary cancer in the literature. This variant has been identified in 1/126528 chromosomes in the general population by the Genome Aggregation Database (gnomAD). The available evidence is insufficient to determine the role of this variant in disease conclusively. Therefore, this variant is classified as a Variant of Uncertain Significance.

Women's Health and Genetics/Laboratory Corporation of America, LabCorp
Classification: Uncertain significance. Last evaluated: 2017-12-22. Review status: criteria provided, single submitter. Criteria: LabCorp Variant Classification Summary - May 2015. Collection method: clinical testing. Allele origin: germline.
Comment: Variant summary: The CDH1 c.-8G>A variant involves the alteration of a non-conserved 5' UTR nucleotide. One in silico tool predicts a benign outcome for this variant. This variant was found in 1/121892 control chromosomes (gnomAD) at a frequency of 0.0000082, which does not exceed the estimated maximal expected allele frequency of a pathogenic CDH1 variant (0.0000283). The variant of interest has not, to our knowledge, been reported in affected individuals via publications and/or reputable databases/clinical diagnostic laboratories; nor evaluated for functional impact by in vivo/vitro studies. Because of the absence of clinical information and the lack of functional studies, the variant is classified as a "Variant of Uncertain Significance (VUS)," until additional information becomes available.